The following is an entry in ClinVar:

ClinVar aggregate classification (germline): Uncertain significance. Review status: criteria provided, multiple submitters, no conflicts (2 of 4 stars). 4 submissions from 4 submitters: Uncertain significance (4). Last evaluated 2025-09-29.

Conditions:
Finnish type amyloidosis. Also called: Amyloidosis, familial, Finnish type; Meretoja type amyloidosis; Amyloidosis 5; AMYLOIDOSIS, HEREDITARY SYSTEMIC 4, FINNISH TYPE; AMYLOID CRANIAL NEUROPATHY WITH LATTICE CORNEAL DYSTROPHY; AMYLOIDOSIS DUE TO MUTANT GELSOLIN. Identifiers: Orphanet 85448, MedGen C1622345, MONDO:0007097, OMIM 105120.
Inborn genetic diseases. Identifiers: MedGen C0950123, MeSH D030342.

Allele frequency attached by ClinVar (database versions not stated): ExAC 0.00002; TOPMed 0.00003; gnomAD 0.00004; gnomAD exomes 0.00004.
gnomAD v4.1: 59 of 1,613,824 alleles (0.0037%); highest among the groups gnomAD compares: African/African-American, 0.011%; no homozygotes.

Submissions (4):

Mayo Clinic Laboratories, Mayo Clinic
Classification: Uncertain significance. Last evaluated: 2025-09-29. Review status: criteria provided, single submitter. Criteria: ACMG Guidelines, 2015. Collection method: clinical testing. Allele origin: germline. Observed: 2 variant alleles.

Ambry Genetics
Classification: Uncertain significance for Inborn genetic diseases. Last evaluated: 2024-11-15. Review status: criteria provided, single submitter. Criteria: Ambry Variant Classification Scheme 2023. Collection method: clinical testing. Allele origin: germline.

Labcorp Genetics (formerly Invitae), Labcorp
Classification: Uncertain significance. Last evaluated: 2024-02-18. Review status: criteria provided, single submitter. Criteria: Invitae Variant Classification Sherloc (09022015). Collection method: clinical testing. Allele origin: germline.
Comment: This sequence change replaces arginine, which is basic and polar, with tryptophan, which is neutral and slightly polar, at codon 740 of the GSN protein (p.Arg740Trp). This variant is present in population databases (rs148360076, gnomAD 0.02%). This variant has not been reported in the literature in individuals affected with GSN-related conditions. ClinVar contains an entry for this variant (Variation ID: 1442684). Advanced modeling of protein sequence and biophysical properties (such as structural, functional, and spatial information, amino acid conservation, physicochemical variation, residue mobility, and thermodynamic stability) performed at Invitae indicates that this missense variant is expected to disrupt GSN protein function with a positive predictive value of 80%. In summary, the available evidence is currently insufficient to determine the role of this variant in disease. Therefore, it has been classified as a Variant of Uncertain Significance.

Fulgent Genetics
Classification: Uncertain significance for Finnish type amyloidosis. Last evaluated: 2022-04-05. Review status: criteria provided, single submitter. Criteria: ACMG Guidelines, 2015. Collection method: clinical testing. Allele origin: unknown.

NM_198252.3(GSN):c.2065C>T (p.Arg689Trp)

Gene: GSN (gelsolin; plus strand). Cytogenetic location: 9q33.2.
Variant type: single nucleotide variant.
Coding change: c.2065C>T on transcript NM_198252.3 (MANE Select); coding-DNA position 2065, C replaced by T.
Protein change: p.Arg689Trp; replaces arginine 689 with tryptophan.
Molecular consequence: missense variant.
Genome position (GRCh38, 1-based): chr9:121,332,472, C>T. VCF-style: chr9-121332472-C-T. GRCh37 (hg19) VCF-style: chr9-124094750-C-T.
Other names: p.Arg740Trp; c.2218C>T (NM_000177.4); c.2218C>T, p.Arg740Trp (NM_000177.5); c.2065C>T, p.Arg689Trp (NM_001127662.2, NM_001127664.2, NM_001127665.2 and 10 more transcripts); c.2173C>T, p.Arg725Trp (NM_001127663.2); c.2098C>T, p.Arg700Trp (NM_001127666.2, NM_001127667.2, NM_001353063.2 and 13 more transcripts); c.2116C>T, p.Arg706Trp (NM_001258029.2); c.2089C>T, p.Arg697Trp (NM_001258030.2); and 2 more; short protein forms R689W, R697W, R713W, R700W, R706W, R725W, R740W, R471W.
Identifiers: ClinVar variation 1442684 (VCV001442684.9), dbSNP rs148360076, ClinGen allele CA5221534.